The following is an entry in ClinVar:

NM_001174150.2(ARL13B):c.205A>G (p.Ile69Val)

Gene: ARL13B (ARF like GTPase 13B; plus strand). Cytogenetic location: 3q11.2.
Variant type: single nucleotide variant.
Coding change: c.205A>G on transcript NM_001174150.2 (MANE Select); coding-DNA position 205, A replaced by G.
Protein change: p.Ile69Val; replaces isoleucine 69 with valine.
Molecular consequence: missense variant. On other transcripts: 5 prime UTR variant (1), intron variant (1).
Genome position (GRCh38, 1-based): chr3:94,003,733, A>G. VCF-style: chr3-94003733-A-G. GRCh37 (hg19) VCF-style: chr3-93722577-A-G.
Other names: c.-105A>G (NM_001174151.2); c.160A>G, p.Ile54Val (NM_001321328.2); c.205A>G, p.Ile69Val (NM_182896.3); c.59+23251A>G (NM_144996.4); short protein forms I54V, I69V.
Identifiers: ClinVar variation 1439511 (VCV001439511.7), dbSNP rs774341143, ClinGen allele CA2503812.

ClinVar aggregate classification (germline): Uncertain significance. Review status: criteria provided, multiple submitters, no conflicts (2 of 4 stars). 2 submissions from 2 submitters: Uncertain significance (2). Last evaluated 2024-03-08.

Conditions:
Joubert syndrome 8 (JBTS8). Identifiers: Orphanet 475, MedGen C2676771, MONDO:0012855, OMIM 612291.

Allele frequency attached by ClinVar (database versions not stated): gnomAD exomes below 0.00001 and 0.00002; ExAC 0.00001.
gnomAD v4.1: 6 of 1,613,716 alleles (0.00037%); highest among the groups gnomAD compares: Admixed American, 0.005%; no homozygotes.

Submissions (2):

Fulgent Genetics
Classification: Uncertain significance for Joubert syndrome 8. Last evaluated: 2024-03-08. Review status: criteria provided, single submitter. Criteria: ACMG Guidelines, 2015. Collection method: clinical testing. Allele origin: germline.

Labcorp Genetics (formerly Invitae), Labcorp
Classification: Uncertain significance for Joubert syndrome 8. Last evaluated: 2021-09-18. Review status: criteria provided, single submitter. Criteria: Invitae Variant Classification Sherloc (09022015). Collection method: clinical testing. Allele origin: germline.
Comment: This sequence change replaces isoleucine with valine at codon 69 of the ARL13B protein (p.Ile69Val). The isoleucine residue is highly conserved and there is a small physicochemical difference between isoleucine and valine. This variant is present in population databases (rs774341143, ExAC 0.009%). This variant has not been reported in the literature in individuals affected with ARL13B-related conditions. Algorithms developed to predict the effect of missense changes on protein structure and function (SIFT, PolyPhen-2, Align-GVGD) all suggest that this variant is likely to be tolerated. In summary, the available evidence is currently insufficient to determine the role of this variant in disease. Therefore, it has been classified as a Variant of Uncertain Significance.